The following continues an entry in ClinVar:

NM_012203.2(GRHPR):c.103del (p.Asp35fs)

Gene: GRHPR. ClinVar aggregate classification (germline): Pathogenic. Pathogenic (13).

Submissions 12 to 18 of 18:

Laboratory for Molecular Medicine, Mass General Brigham Personalized Medicine
Classification: Pathogenic for Primary hyperoxaluria, type II. Last evaluated: 2017-03-11. Review status: criteria provided, single submitter. Criteria: LMM Criteria. Collection method: clinical testing. Allele origin: germline. Inheritance: Autosomal recessive inheritance. Observed: 1 variant allele.
Comment: The p.Asp35ThrfsX11 (NM_012203.1 c.103delG) variant in GRHPR has been reported i n at least 15 homozygous and 1 compound heterozygous individuals with primary hy peroxaluria type II, and segregated in two homozygous affected siblings from two families (Cramer 1999, Webster 2000, Johnson 2002, Cregeen 2003, Rumsby 2003). It is the most common pathogenic variant identified in Caucasian patients with t his disease (Takayama 2014). This variant has also been reported as pathogenic i n ClinVar (Variation ID#5636). The p.Asp35ThrfsX11 variant has been identified i n 21/64772 of European chromosomes by the Exome Aggregation Consortium (ExAC; dbSNP rs80356708), a frequency low enough to be co nsistent with carrier frequency. This variant is predicted to cause a frameshift , which alters the protein?s amino acid sequence beginning at position 35 and le ads to a premature termination codon 11 amino acids downstream. This alteration is then predicted to lead to a truncated or absent protein. Biallelic loss of fu nction of function of the GRHPR gene is an established disease mechanism in prim ary hyperoxaluria type II. In summary, the p.Asp35ThrfsX11 variant meets criteri a to be classified as pathogenic for primary hyperoxaluria type II in an autosom al recessive manner based upon its biallelic occurrence in patients with this di sease and predicted impact on protein function.

Eurofins Ntd Llc (ga)
Classification: Pathogenic. Last evaluated: 2016-05-02. Review status: criteria provided, single submitter. Criteria: EGL Classification Definitions 2015. Collection method: clinical testing. Allele origin: germline. Observed: 2 variant alleles, 2 heterozygotes.

Natera, Inc.
Classification: Pathogenic for Primary hyperoxaluria type II. Last evaluated: 2020-09-16. Review status: no assertion criteria provided. Collection method: clinical testing. Allele origin: germline. Not counted in ClinVar's aggregate classification.

Yale Center for Mendelian Genomics, Yale University
Classification: Likely pathogenic for Nephrolithiasis; Nephrocalcinosis. Last evaluated: 2017-09-08. Review status: no assertion criteria provided. Collection method: literature only. Allele origin: germline. Affected: yes. Observed: 2 compound heterozygotes. Not counted in ClinVar's aggregate classification.

Clinical Biochemistry Laboratory, Health Services Laboratory
Classification: Pathogenic for Primary hyperoxaluria, type II. Last evaluated: 2014-11-27. Review status: no assertion criteria provided. Collection method: research. Allele origin: germline. Affected: yes. Not counted in ClinVar's aggregate classification.

OMIM
Classification: Pathogenic for HYPEROXALURIA, PRIMARY, TYPE II. Last evaluated: 2014-10-01. Review status: no assertion criteria provided. Collection method: literature only. Allele origin: germline. Not counted in ClinVar's aggregate classification.

GeneReviews
No classification provided. Condition: Primary hyperoxaluria, type II. Review status: no classification provided. Collection method: literature only. Allele origin: germline. Not counted in ClinVar's aggregate classification.

Literature cited by the submitters: PubMed 25644115 (cited by Labcorp Genetics (formerly Invitae), Labcorp); PubMed 10484776 (cited by 6 submitters); PubMed 15327387 (cited by 5 submitters); PubMed 21228398 (cited by Rare Kidney Stone Consortium and the Mayo Clinic Hyperoxaluria Center, Mayo Clinic); PubMed 28893421 (cited by Rare Kidney Stone Consortium and the Mayo Clinic Hyperoxaluria Center, Mayo Clinic and Yale Center for Mendelian Genomics, Yale University); PubMed 31589614 (cited by Rare Kidney Stone Consortium and the Mayo Clinic Hyperoxaluria Center, Mayo Clinic); PubMed 30609409 (cited by Rare Kidney Stone Consortium and the Mayo Clinic Hyperoxaluria Center, Mayo Clinic); PubMed 31685312 (cited by Rare Kidney Stone Consortium and the Mayo Clinic Hyperoxaluria Center, Mayo Clinic); PubMed 31980526 (cited by Rare Kidney Stone Consortium and the Mayo Clinic Hyperoxaluria Center, Mayo Clinic); PubMed 40794449 (cited by Rare Kidney Stone Consortium and the Mayo Clinic Hyperoxaluria Center, Mayo Clinic); PubMed 18560364 (cited by Myriad Genetics, Inc.); PubMed 14635115 (cited by 4 submitters); PubMed 12185464 (cited by Laboratory for Molecular Medicine, Mass General Brigham Personalized Medicine); PubMed 11030416 (cited by Clinical Biochemistry Laboratory, Health Services Laboratory); PubMed 24116921 (cited by OMIM); NCBI Bookshelf NBK2692 (cited by GeneReviews).